The following is an entry in ClinVar:

ClinVar aggregate classification (germline): Likely benign (1 of 4 stars; one submission).

Allele frequency attached by ClinVar (database versions not stated): gnomAD 0.00019; TOPMed 0.00022; ESP Exome Variant Server 0.00023; ExAC 0.00033.
gnomAD v4.1: 274 of 1,459,824 alleles (0.019%); highest among the groups gnomAD compares: Middle Eastern, 0.076%; no homozygotes.

Submission:

CeGaT Center for Human Genetics Tuebingen
Classification: Likely benign. Last evaluated: 2022-05-01. Review status: criteria provided, single submitter. Criteria: CeGaT Center For Human Genetics Tuebingen Variant Classification Criteria Version 2. Collection method: clinical testing. Allele origin: germline. Affected: yes. Observed: 1 variant allele.
Comment: ULK1: BP4, BP7

NM_003565.4(ULK1):c.2292G>A (p.Thr764=)

Gene: ULK1 (unc-51 like autophagy activating kinase 1; plus strand). Cytogenetic location: 12q24.33.
Variant type: single nucleotide variant.
Coding change: c.2292G>A on transcript NM_003565.4 (MANE Select); coding-DNA position 2292, G replaced by A.
Protein change: p.Thr764=; no amino-acid change (threonine 764 retained).
Molecular consequence: synonymous variant.
Genome position (GRCh38, 1-based): chr12:131,917,520, G>A. VCF-style: chr12-131917520-G-A. GRCh37 (hg19) VCF-style: chr12-132402065-G-A.
Identifiers: ClinVar variation 2643612 (VCV002643612.24), dbSNP rs376230231, ClinGen allele CA6883493.